The following is an entry in ClinVar:

NM_000045.4(ARG1):c.832G>C (p.Val278Leu)

Genes: ARG1 (arginase 1; plus strand), MED23 (mediator complex subunit 23; minus strand). Cytogenetic location: 6q23.2.
Variant type: single nucleotide variant.
Coding change: c.832G>C on transcript NM_000045.4 (MANE Select); coding-DNA position 832, G replaced by C.
Protein change: p.Val278Leu; replaces valine 278 with leucine.
Molecular consequence: missense variant. On other transcripts: non-coding transcript variant (1), intron variant (2).
Genome position (GRCh38, 1-based): chr6:131,583,771, G>C. VCF-style: chr6-131583771-G-C. GRCh37 (hg19) VCF-style: chr6-131904911-G-C.
Other names: c.856G>C, p.Val286Leu (NM_001244438.2); c.577G>C, p.Val193Leu (NM_001369020.1); c.4077+3938C>G (NM_001270521.2); c.4095+3938C>G (NM_015979.4); short protein forms V193L, V278L, V286L.
Identifiers: ClinVar variation 2097712 (VCV002097712.4), dbSNP rs770050608, ClinGen allele CA365653522.

ClinVar aggregate classification (germline): Uncertain significance (1 of 4 stars; one submission).

Conditions:
Arginase deficiency. Also called: Arginase 1 Deficiency; ARGININEMIA; ARG1 DEFICIENCY. Identifiers: Orphanet 90, MedGen C0268548, MONDO:0008814, OMIM 207800.

Submission:

Labcorp Genetics (formerly Invitae), Labcorp
Classification: Uncertain significance for Arginase deficiency. Last evaluated: 2022-08-06. Review status: criteria provided, single submitter. Criteria: Invitae Variant Classification Sherloc (09022015). Collection method: clinical testing. Allele origin: germline.
Comment: Algorithms developed to predict the effect of missense changes on protein structure and function (SIFT, PolyPhen-2, Align-GVGD) all suggest that this variant is likely to be tolerated. In summary, the available evidence is currently insufficient to determine the role of this variant in disease. Therefore, it has been classified as a Variant of Uncertain Significance. This variant has not been reported in the literature in individuals affected with ARG1-related conditions. This variant is not present in population databases (gnomAD no frequency). This sequence change replaces valine, which is neutral and non-polar, with leucine, which is neutral and non-polar, at codon 278 of the ARG1 protein (p.Val278Leu).